The following is an entry in ClinVar:

NM_007294.4(BRCA1):c.5333-3T>G

Gene: BRCA1 (BRCA1 DNA repair associated; minus strand). Cytogenetic location: 17q21.31.
Variant type: single nucleotide variant.
Coding change: c.5333-3T>G on transcript NM_007294.4 (MANE Select); 3 bases into the intron before coding-DNA position 5333, T replaced by G.
Molecular consequence: intron variant.
Genome position (GRCh38, 1-based): chr17:43,049,197, A>C on the plus strand (T>G on the coding strand, the complement: BRCA1 is on the minus strand). VCF-style: chr17-43049197-A-C. GRCh37 (hg19) VCF-style: chr17-41201214-A-C.
Other names: c.1880-3T>G (NM_001408458.1, NM_001408461.1, NM_001408464.1 and 7 more transcripts); c.4442-3T>G (NM_001407967.1); c.4952-3T>G (NM_001407959.1); c.5066-3T>G (NM_001407931.1, NM_001407932.1, NM_001407928.1 and 4 more transcripts); c.5189-3T>G (NM_001407747.1, NM_001407745.1, NM_001407737.1 and 18 more transcripts); c.4949-3T>G (NM_001407962.1, NM_001407960.1); c.1520-3T>G (NM_001408512.1); c.1643-3T>G (NM_001408510.1); and 84 more.
Identifiers: ClinVar variation 55537 (VCV000055537.16), dbSNP rs397509265, ClinGen allele CA003499.

ClinVar aggregate classification (germline): Pathogenic. Review status: criteria provided, multiple submitters, no conflicts (2 of 4 stars). 5 submissions from 5 submitters: Pathogenic (3). 2 of the submissions do not count toward it. Last evaluated 2025-02-13.

Conditions:
Hereditary cancer-predisposing syndrome. Also called: Hereditary Cancer Syndrome; Hereditary neoplastic syndrome; Neoplastic Syndromes, Hereditary; Tumor predisposition. Identifiers: Orphanet 140162, MedGen C0027672, MeSH D009386, MONDO:0015356.
Hereditary breast ovarian cancer syndrome. Also called: BRCA1- and BRCA2-Associated Hereditary Breast and Ovarian Cancer; Hereditary breast and ovarian cancer syndrome; Hereditary breast and ovarian cancer syndrome (HBOC); Breast and ovarian cancer; Hereditary breast and/or ovarian cancer syndrome; Hereditary breast and ovarian cancer. Identifiers: Orphanet 145, MedGen C0677776, MeSH D061325, MONDO:0003582. Disease mechanism: loss of function.
Breast-ovarian cancer, familial, susceptibility to, 1 (BROVCA1). Also called: BRCA1 Hereditary Breast and Ovarian Cancer; OVARIAN CANCER, SUSCEPTIBILITY TO. Identifiers: Orphanet 145, MedGen C2676676, MONDO:0011450, OMIM 604370. Disease mechanism: loss of function.

Submissions (6):

Ambry Genetics
Classification: Pathogenic for Hereditary cancer-predisposing syndrome. Last evaluated: 2025-02-13. Review status: criteria provided, single submitter. Criteria: Ambry Variant Classification Scheme 2023. Collection method: clinical testing. Allele origin: germline.
Comment: The c.5333-3T>G intronic pathogenic mutation results from a T to G substitution 3 nucleotides upstream from coding exon 20 in the BRCA1 gene. This nucleotide position is well conserved in available vertebrate species. In silico splice site analysis predicts that this alteration will weaken the native splice acceptor site. RNA assays have demonstrated this alteration to result in aberrant splicing (Ambry internal data; Montalban G et al. Hum Mutat, 2019 Dec;40:2296-2317; Houdayer C et al. Hum Mutat, 2012 Aug;33:1228-38). One functional study found that this nucleotide substitution is non-functional in a high throughput genome editing haploid cell survival assay (Findlay GM et al. Nature, 2018 Oct;562:217-222). Based on the supporting evidence, this variant is interpreted as a disease-causing mutation.

Labcorp Genetics (formerly Invitae), Labcorp
Classification: Pathogenic for Hereditary breast ovarian cancer syndrome. Last evaluated: 2024-01-27. Review status: criteria provided, single submitter. Criteria: Invitae Variant Classification Sherloc (09022015). Collection method: clinical testing. Allele origin: germline.
Comment: This sequence change falls in intron 20 of the BRCA1 gene. It does not directly change the encoded amino acid sequence of the BRCA1 protein. RNA analysis indicates that this variant induces altered splicing and may result in an absent or disrupted protein product. This variant is not present in population databases (gnomAD no frequency). This variant has been observed in individual(s) with breast or ovarian (PMID: 31343793). ClinVar contains an entry for this variant (Variation ID: 55537). Variants that disrupt the consensus splice site are a relatively common cause of aberrant splicing (PMID: 17576681, 9536098). Studies have shown that this variant results in skipping of exon 21 and introduces a premature termination codon (PMID: 31343793; Invitae). The resulting mRNA is expected to undergo nonsense-mediated decay. For these reasons, this variant has been classified as Pathogenic.

Consortium of Investigators of Modifiers of BRCA1/2 (CIMBA), c/o University of Cambridge
Classification: Pathogenic for Breast-ovarian cancer, familial, susceptibility to, 1. Last evaluated: 2015-10-02. Review status: criteria provided, single submitter. Criteria: CIMBA Mutation Classification guidelines May 2016. Collection method: clinical testing. Allele origin: germline.

Molecular Oncology, Hospital Universitario Central de Asturias (HUCA)
Classification: Pathogenic for Breast-ovarian cancer, familial, susceptibility to, 1. Last evaluated: 2021-05-24. Review status: no assertion criteria provided. Collection method: case-control. Allele origin: germline. Affected: yes. Not counted in ClinVar's aggregate classification.
Comment: RNA analysis by RT-PCR in our laboratory showed that this variant results in an out-of-frame skipping of exon 22 (NM_007294.4, legacy numbering), r.5333_5406del, p.Asp1778Glyfs*27. The relative abundance of the splicing transcript was calculated, compared to full-length, yielding a level of altered transcripts around 50%, suggesting that variant allele did not contribute to generate normal transcript

Hereditary Cancer Genetics group, Vall d'Hebron Institute of Oncology
Classification: Likely pathogenic for Hereditary breast and ovarian cancer syndrome. Last evaluated: 2019-03-01. Review status: no assertion criteria provided. Collection method: research. Allele origin: germline. Affected: yes. Not counted in ClinVar's aggregate classification.

Brotman Baty Institute, University of Washington
No classification provided (evidence only). Condition: Breast-ovarian cancer, familial 1. Review status: no classification provided. Collection method: in vitro. Allele origin: not applicable. Functional consequence: functionally_abnormal. Not counted in ClinVar's aggregate classification.
ClinVar note: "not provided" was previously submitted as the classification for the variant. However, the classification appeared to be based only on an observation of functional data so it was converted to no classification on 2025-07-30.

Literature cited by the submitters: PubMed 22505045 (cited by Ambry Genetics); PubMed 30209399 (cited by Ambry Genetics); PubMed 31343793 (cited by Ambry Genetics and Labcorp Genetics (formerly Invitae), Labcorp); PubMed 17576681 (cited by Labcorp Genetics (formerly Invitae), Labcorp); PubMed 9536098 (cited by Labcorp Genetics (formerly Invitae), Labcorp); PubMed 38922859 (cited by Molecular Oncology, Hospital Universitario Central de Asturias (HUCA)); PubMed 30472649 (cited by Hereditary Cancer Genetics group, Vall d'Hebron Institute of Oncology).